The following is an entry in ClinVar:

NM_002439.5(MSH3):c.909+79_909+92delinsAAGGTAAGCTTCAG

Gene: MSH3 (mutS homolog 3; plus strand). Cytogenetic location: 5q14.1.
Variant type: Indel.
Coding change: c.909+79_909+92delinsAAGGTAAGCTTCAG on transcript NM_002439.5 (MANE Select); bases 79 to 92 of the intron after coding-DNA position 909, TAGGTAGGCTTCAA replaced by AAGGTAAGCTTCAG.
Molecular consequence: intron variant.
Genome position (GRCh38, 1-based): chr5:80,672,439-80,672,452, TAGGTAGGCTTCAA replaced by AAGGTAAGCTTCAG. VCF-style: chr5-80672439-TAGGTAGGCTTCAA-AAGGTAAGCTTCAG. GRCh37 (hg19) VCF-style: chr5-79968258-TAGGTAGGCTTCAA-AAGGTAAGCTTCAG.
Identifiers: ClinVar variation 3398767 (VCV003398767.1).

ClinVar aggregate classification (germline): Uncertain significance (1 of 4 stars; one submission).

Conditions:
Hereditary cancer-predisposing syndrome. Also called: Hereditary Cancer Syndrome; Tumor predisposition; Hereditary neoplastic syndrome; Neoplastic Syndromes, Hereditary. Identifiers: Orphanet 140162, MedGen C0027672, MeSH D009386, MONDO:0015356.

Submission:

Ambry Genetics
Classification: Uncertain significance for Hereditary cancer-predisposing syndrome. Last evaluated: 2024-11-20. Review status: criteria provided, single submitter. Criteria: Ambry Variant Classification Scheme 2023. Collection method: clinical testing. Allele origin: germline.
Comment: The c.909+79_909+92delins14 intronic variant, located in intron 5 of the MSH3 gene, results from an in-frame deletion of 14 nucleotides and the insertion of 14 nucleotides (AAGGTAAGCTTCAG) at nucleotide positions c.909+79 to c.909+92. These nucleotide positions are well conserved on limited sequence alignment. In silico splice site analysis predicts that this alteration will result in the creation or strengthening of a novel splice donor site; however, direct evidence is insufficient at this time (Ambry internal data). Based on the available evidence, the clinical significance of this variant remains unclear.